The following is an entry in ClinVar:

NM_021101.5(CLDN1):c.281C>A (p.Ala94Glu)

Genes: CLDN1 (claudin 1; minus strand), CLDN16 (claudin 16; plus strand). Cytogenetic location: 3q28.
Variant type: single nucleotide variant.
Coding change: c.281C>A on transcript NM_021101.5 (MANE Select); coding-DNA position 281, C replaced by A.
Protein change: p.Ala94Glu; replaces alanine 94 with glutamic acid.
Molecular consequence: missense variant. On other transcripts: intron variant (2).
Genome position (GRCh38, 1-based): chr3:190,312,979, G>T on the plus strand (C>A on the coding strand, the complement: CLDN1 is on the minus strand). VCF-style: chr3-190312979-G-T. GRCh37 (hg19) VCF-style: chr3-190030768-G-T.
Other names: c.-445-1914G>T (NM_001378492.1); c.-279+22388G>T (NM_001378493.1); short protein forms A94E.
Identifiers: ClinVar variation 3061117 (VCV003061117.2), dbSNP rs2473899085, ClinGen allele CA355756606.
Genomic context (GRCh38, chr3:190,312,979, plus strand): 5'-TGCACCTCATCGTCTTCCAAGCACTTCATACACTTCATGCCAACGGTGGCCACAAAGATT[G>T]CTATCACTCCCAGGAGGATGCCAACCACCATCAAGGCACGGGTTGCTTGCAATGTGCCTG-3'
Protein context (NP_066924.1, residues 84-104): MVVGILLGVI[Ala94Glu]IFVATVGMKC

ClinVar aggregate classification (germline): Uncertain significance (0 of 4 stars; one submission).

Conditions:
CLDN1-related disorder. Also called: CLDN1-related condition.

Submission:

PreventionGenetics, part of Exact Sciences
Classification: Uncertain significance for CLDN1-related condition. Last evaluated: 2024-02-06. Review status: no assertion criteria provided. Collection method: clinical testing. Allele origin: germline.
Comment: The CLDN1 c.281C>A variant is predicted to result in the amino acid substitution p.Ala94Glu. To our knowledge, this variant has not been reported in the literature or in a large population database, indicating this variant is rare. At this time, the clinical significance of this variant is uncertain due to the absence of conclusive functional and genetic evidence.